The following is an entry in ClinVar:

NM_002250.3(KCNN4):c.519C>T (p.Val173=)

Gene: KCNN4 (potassium calcium-activated channel subfamily N member 4; minus strand). Cytogenetic location: 19q13.31.
Variant type: single nucleotide variant.
Coding change: c.519C>T on transcript NM_002250.3 (MANE Select); coding-DNA position 519, C replaced by T.
Protein change: p.Val173=; no amino-acid change (valine 173 retained).
Molecular consequence: synonymous variant.
Genome position (GRCh38, 1-based): chr19:43,774,356, G>A on the plus strand (C>T on the coding strand, the complement: KCNN4 is on the minus strand). VCF-style: chr19-43774356-G-A. GRCh37 (hg19) VCF-style: chr19-44278508-G-A.
Identifiers: ClinVar variation 3031116 (VCV003031116.5), dbSNP rs139516899, ClinGen allele CA9491975.

ClinVar aggregate classification (germline): Benign/Likely benign. Review status: criteria provided, multiple submitters, no conflicts (2 of 4 stars). 3 submissions from 3 submitters: Benign (1); Likely benign (1). 1 of the submissions does not count toward it. Last evaluated 2024-11-25.

Conditions:
KCNN4-related disorder. Also called: KCNN4-related condition.

Allele frequency attached by ClinVar (database versions not stated): ExAC 0.00019; 1000 Genomes Project 0.00040; 1000 Genomes Project 30x 0.00047; ESP Exome Variant Server 0.00054.
gnomAD v4.1: 80 of 1,609,148 alleles (0.005%); highest among the groups gnomAD compares: African/African-American, 0.092%; no homozygotes.

Submissions (3):

Labcorp Genetics (formerly Invitae), Labcorp
Classification: Benign. Last evaluated: 2024-11-25. Review status: criteria provided, single submitter. Criteria: Invitae Variant Classification Sherloc (09022015). Collection method: clinical testing. Allele origin: germline.

Blueprint Genetics
Classification: Likely benign. Last evaluated: 2024-05-28. Review status: criteria provided, single submitter. Criteria: ACMG Guidelines, 2015. Collection method: clinical testing. Allele origin: germline.

PreventionGenetics, part of Exact Sciences
Classification: Likely benign for KCNN4-related condition. Last evaluated: 2022-12-22. Review status: no assertion criteria provided. Collection method: clinical testing. Allele origin: germline. Not counted in ClinVar's aggregate classification.
Comment: This variant is classified as likely benign based on ACMG/AMP sequence variant interpretation guidelines (Richards et al. 2015 PMID: 25741868, with internal and published modifications).